The following is an entry in ClinVar:

ClinVar aggregate classification (germline): Pathogenic (1 of 4 stars; one submission).

Conditions:
Hypertrophic cardiomyopathy. Also called: HYPERTROPHIC MYOCARDIOPATHY. Identifiers: Orphanet 217569, MedGen C0007194, MeSH D002312, MONDO:0005045, HP:0001639.

Submission:

Labcorp Genetics (formerly Invitae), Labcorp
Classification: Pathogenic for Hypertrophic cardiomyopathy. Last evaluated: 2023-01-18. Review status: criteria provided, single submitter. Criteria: Invitae Variant Classification Sherloc (09022015). Collection method: clinical testing. Allele origin: germline.
Comment: This sequence change creates a premature translational stop signal (p.Tyr806Leufs*27) in the MYBPC3 gene. It is expected to result in an absent or disrupted protein product. Loss-of-function variants in MYBPC3 are known to be pathogenic (PMID: 19574547). For these reasons, this variant has been classified as Pathogenic. This variant has not been reported in the literature in individuals affected with MYBPC3-related conditions. This variant is not present in population databases (gnomAD no frequency).

Literature cited by the submitters: PubMed 19574547.

NM_000256.3(MYBPC3):c.2416dup (p.Tyr806fs)

Gene: MYBPC3 (myosin binding protein C3; minus strand). Cytogenetic location: 11p11.2.
Variant type: Duplication.
Coding change: c.2416dup on transcript NM_000256.3 (MANE Select); coding-DNA position 2416, one base duplicated (T; older notation c.2416dupT).
Protein change: p.Tyr806fs; shifts the reading frame from tyrosine 806.
Molecular consequence: frameshift variant.
Genome position (GRCh38, 1-based): chr11:47,337,577, A duplicated on the plus strand (T on the coding strand, the reverse complement: MYBPC3 is on the minus strand). VCF-style (leftmost placement, unchanged base first): chr11-47337576-T-TA. GRCh37 (hg19) VCF-style: chr11-47359127-T-TA.
Other names: short protein forms Y806fs.
Identifiers: ClinVar variation 2829762 (VCV002829762.3), dbSNP rs2495749953, ClinGen allele CA2739270435.